The following is an entry in ClinVar:

ClinVar aggregate classification (germline): Uncertain significance (1 of 4 stars; one submission).

Conditions:
Cardiovascular phenotype. Identifiers: MedGen CN230736.
Hereditary cancer-predisposing syndrome. Also called: Neoplastic Syndromes, Hereditary; Tumor predisposition; Hereditary Cancer Syndrome; Hereditary neoplastic syndrome. Identifiers: Orphanet 140162, MedGen C0027672, MeSH D009386, MONDO:0015356.

Submission:

Ambry Genetics
Classification: Uncertain significance for Cardiovascular phenotype; Hereditary cancer-predisposing syndrome. Last evaluated: 2022-03-01. Review status: criteria provided, single submitter. Criteria: Ambry Variant Classification Scheme 2023. Collection method: clinical testing. Allele origin: germline.
Comment: The p.E216Q variant (also known as c.646G>C), located in coding exon 7 of the LZTR1 gene, results from a G to C substitution at nucleotide position 646. The glutamic acid at codon 216 is replaced by glutamine, an amino acid with highly similar properties. This amino acid position is conserved. In addition, this alteration is predicted to be tolerated by in silico analysis. Since supporting evidence is limited at this time, the clinical significance of this alteration remains unclear.

NM_006767.4(LZTR1):c.646G>C (p.Glu216Gln)

Gene: LZTR1 (leucine zipper like post translational regulator 1; plus strand). Cytogenetic location: 22q11.21.
Variant type: single nucleotide variant.
Coding change: c.646G>C on transcript NM_006767.4 (MANE Select); coding-DNA position 646, G replaced by C.
Protein change: p.Glu216Gln; replaces glutamic acid 216 with glutamine.
Molecular consequence: missense variant.
Genome position (GRCh38, 1-based): chr22:20,989,677, G>C. VCF-style: chr22-20989677-G-C. GRCh37 (hg19) VCF-style: chr22-21343966-G-C.
Other names: short protein forms E216Q.
Identifiers: ClinVar variation 1753704 (VCV001753704.2), dbSNP rs761739228, ClinGen allele CA410780383.
Genomic context (GRCh38, chr22:20,989,677, plus strand): 5'-TAATACAGGTTGAATGACATGTGGACAATTGGCCTCCAGGACCGAGAGCTCACCTGCTGG[G>C]AGGAGGTGAGGGGCGTGGGGAGCCAGGGCGCAGGTAGAGGAGGTGAGGGGCACGGGGAGC-3'
Protein context (NP_006758.2, residues 206-226): GLQDRELTCW[Glu216Gln]EVAQSGEIPP